The following is an entry in ClinVar:

NM_000492.4(CFTR):c.245T>C (p.Met82Thr)

Gene: CFTR (CF transmembrane conductance regulator; plus strand). Cytogenetic location: 7q31.2.
Variant type: single nucleotide variant.
Coding change: c.245T>C on transcript NM_000492.4 (MANE Select); coding-DNA position 245, T replaced by C.
Protein change: p.Met82Thr; replaces methionine 82 with threonine.
Molecular consequence: missense variant.
Genome position (GRCh38, 1-based): chr7:117,509,114, T>C. VCF-style: chr7-117509114-T-C. GRCh37 (hg19) VCF-style: chr7-117149168-T-C.
Other names: short protein forms M82T.
Identifiers: ClinVar variation 3266653 (VCV003266653.1).

ClinVar aggregate classification (germline): Uncertain significance (1 of 4 stars; one submission).

Conditions:
Cystic fibrosis (CF). Also called: MUCOVISCIDOSIS. Identifiers: Orphanet 586, MedGen C0010674, MONDO:0009061, OMIM 219700. Disease mechanism: loss of function.

Submission:

Ambry Genetics
Classification: Uncertain significance for Cystic fibrosis. Last evaluated: 2024-04-01. Review status: criteria provided, single submitter. Criteria: Ambry Variant Classification Scheme 2023. Collection method: clinical testing. Allele origin: germline.
Comment: The p.M82T variant (also known as c.245T>C), located in coding exon 3 of the CFTR gene, results from a T to C substitution at nucleotide position 245. The methionine at codon 82 is replaced by threonine, an amino acid with similar properties. This amino acid position is conserved. In addition, the in silico prediction for this alteration is inconclusive. Based on the available evidence, the clinical significance of this alteration remains unclear.